The following is an entry in ClinVar:

NM_002230.4(JUP):c.133G>A (p.Glu45Lys)

Gene: JUP (junction plakoglobin; minus strand). Cytogenetic location: 17q21.2.
Variant type: single nucleotide variant.
Coding change: c.133G>A on transcript NM_002230.4 (MANE Select); coding-DNA position 133, G replaced by A.
Protein change: p.Glu45Lys; replaces glutamic acid 45 with lysine.
Molecular consequence: missense variant.
Genome position (GRCh38, 1-based): chr17:41,771,722, C>T on the plus strand (G>A on the coding strand, the complement: JUP is on the minus strand). VCF-style: chr17-41771722-C-T. GRCh37 (hg19) VCF-style: chr17-39927974-C-T.
Other names: c.133G>A, p.Glu45Lys (NM_001352773.2, NM_001352774.2, NM_001352775.2 and 3 more transcripts); short protein forms E45K.
Identifiers: ClinVar variation 2930759 (VCV002930759.3), dbSNP rs1916677301, ClinGen allele CA399506861.

ClinVar aggregate classification (germline): Uncertain significance (1 of 4 stars; one submission).

Conditions:
Naxos disease (NXD). Also called: KERATOSIS PALMOPLANTARIS WITH ARRHYTHMOGENIC CARDIOMYOPATHY; MAL DE NAXOS; PALMOPLANTAR KERATODERMA WITH ARRHYTHMOGENIC RIGHT VENTRICULAR CARDIOMYOPATHY AND WOOLLY HAIR; WOOLLY HAIR, PALMOPLANTAR KERATODERMA, AND CARDIAC ABNORMALITIES; CARDIOMYOPATHY, ARRHYTHMOGENIC RIGHT VENTRICULAR, WITH SKIN, HAIR, AND NAIL ABNORMALITIES. Identifiers: Orphanet 34217, MedGen C1832600, MONDO:0011017, OMIM 601214.
Arrhythmogenic right ventricular dysplasia 12. Also called: ARRHYTHMOGENIC RIGHT VENTRICULAR DYSPLASIA, FAMILIAL, 12. Identifiers: MedGen C1969081, MONDO:0012684, OMIM 611528.

Allele frequency attached by ClinVar (database versions not stated): gnomAD 0.00001.
gnomAD v4.1: 1 of 1,614,048 alleles (0.000062%); highest among the groups gnomAD compares: African/African-American, 0.0013%; no homozygotes.

Submission:

Labcorp Genetics (formerly Invitae), Labcorp
Classification: Uncertain significance for Arrhythmogenic right ventricular dysplasia 12; Naxos disease. Last evaluated: 2025-08-05. Review status: criteria provided, single submitter. Criteria: Invitae Variant Classification Sherloc (09022015). Collection method: clinical testing. Allele origin: germline.
Comment: This sequence change replaces glutamic acid, which is acidic and polar, with lysine, which is basic and polar, at codon 45 of the JUP protein (p.Glu45Lys). This variant is not present in population databases (gnomAD no frequency). This variant has not been reported in the literature in individuals affected with JUP-related conditions. ClinVar contains an entry for this variant (Variation ID: 2930759). An algorithm developed to predict the effect of missense changes on protein structure and function (PolyPhen-2) suggests that this variant is likely to be tolerated. In summary, the available evidence is currently insufficient to determine the role of this variant in disease. Therefore, it has been classified as a Variant of Uncertain Significance.